The following is an entry in ClinVar:

ClinVar aggregate classification (germline): Likely benign (0 of 4 stars; one submission).

Conditions:
TAL1-related disorder. Also called: TAL1-related condition.

Submission:

PreventionGenetics, part of Exact Sciences
Classification: Likely benign for TAL1-related condition. Last evaluated: 2019-07-01. Review status: no assertion criteria provided. Collection method: clinical testing. Allele origin: germline.
Comment: This variant is classified as likely benign based on ACMG/AMP sequence variant interpretation guidelines (Richards et al. 2015 PMID: 25741868, with internal and published modifications).

NM_001290403.2(TAL1):c.792T>G (p.Ala264=)

Gene: TAL1 (TAL bHLH transcription factor 1, erythroid differentiation factor; minus strand). Cytogenetic location: 1p33.
Variant type: single nucleotide variant.
Coding change: c.792T>G on transcript NM_001290403.2 (MANE Select); coding-DNA position 792, T replaced by G.
Protein change: p.Ala264=; no amino-acid change (alanine 264 retained).
Molecular consequence: synonymous variant.
Genome position (GRCh38, 1-based): chr1:47,219,924, A>C on the plus strand (T>G on the coding strand, the complement: TAL1 is on the minus strand). VCF-style: chr1-47219924-A-C. GRCh37 (hg19) VCF-style: chr1-47685596-A-C.
Other names: c.792T>G, p.Ala264= (NM_001287347.2, NM_001290404.1, NM_001290405.1 and 1 more transcripts); c.315T>G, p.Ala105= (NM_001290406.2).
Identifiers: ClinVar variation 3034085 (VCV003034085.2), dbSNP rs1403207816, ClinGen allele CA417890814.
Genomic context (GRCh38, chr1:47,219,924, plus strand): 5'-CACGTCTTGCAGGAGGTCATCTGGGGGCGCGCCGCCCCCTCCCCCACCTCCACCCCCACC[A>C]GCCCCCACCACAGGGTCCTTGCCAGTCTTGGCCCGCTGGGTGCCCTCCTCCTCCTGGTCA-3'
Protein context (NP_001277332.1, residues 254-274): AKTGKDPVVG[Ala264=]GGGGGGGGGG